The following is an entry in ClinVar:

NM_020461.4(TUBGCP6):c.1929C>A (p.Tyr643Ter)

Gene: TUBGCP6 (tubulin gamma complex component 6; minus strand). Cytogenetic location: 22q13.33.
Variant type: single nucleotide variant.
Coding change: c.1929C>A on transcript NM_020461.4 (MANE Select); coding-DNA position 1929, C replaced by A.
Protein change: p.Tyr643Ter; replaces tyrosine 643 with a stop codon.
Molecular consequence: nonsense.
Genome position (GRCh38, 1-based): chr22:50,225,848, G>T on the plus strand (C>A on the coding strand, the complement: TUBGCP6 is on the minus strand). VCF-style: chr22-50225848-G-T. GRCh37 (hg19) VCF-style: chr22-50664277-G-T.
Other names: short protein forms Y643*.
Identifiers: ClinVar variation 4808063 (VCV004808063.1).
Genomic context (GRCh38, chr22:50,225,848, plus strand): 5'-ACGCACCTTCTCCTCCTTGCTGACAGAGCTGTGGCGGGCCACCCTCTCCATGCGCCCAAC[G>T]TAGACGGCACAGTCCTTCTCAATCTCCTTCAACTCCTCAAGGGAGAAAATCACCGAGATC-3'

ClinVar aggregate classification (germline): Pathogenic (1 of 4 stars; one submission).

gnomAD v4.1: 3 of 1,613,768 alleles (0.00019%); highest among the groups gnomAD compares: Non-Finnish European, 0.00025%; no homozygotes.

Submission:

Labcorp Genetics (formerly Invitae), Labcorp
Classification: Pathogenic. Last evaluated: 2025-05-30. Review status: criteria provided, single submitter. Criteria: Invitae Variant Classification Sherloc (09022015). Collection method: clinical testing. Allele origin: germline.
Comment: This sequence change creates a premature translational stop signal (p.Tyr643*) in the TUBGCP6 gene. It is expected to result in an absent or disrupted protein product. Loss-of-function variants in TUBGCP6 are known to be pathogenic (PMID: 25344692). This variant is not present in population databases (gnomAD no frequency). This variant has not been reported in the literature in individuals affected with TUBGCP6-related conditions. For these reasons, this variant has been classified as Pathogenic.

Literature cited by the submitters: PubMed 25344692.